The following is an entry in ClinVar:

NM_018124.4(RFWD3):c.269_270delinsAC (p.Thr90Asn)

Gene: RFWD3 (ring finger and WD repeat domain 3; minus strand). Cytogenetic location: 16q23.1.
Variant type: Indel.
Coding change: c.269_270delinsAC on transcript NM_018124.4 (MANE Select); coding-DNA positions 269 to 270, CT replaced by AC.
Protein change: p.Thr90Asn; replaces threonine 90 with asparagine.
Molecular consequence: missense variant. On other transcripts: 5 prime UTR variant (4), intron variant (1).
Genome position (GRCh38, 1-based): chr16:74,661,180-74,661,181, AG replaced by GT on the plus strand (CT replaced by AC on the coding strand, the reverse complement: RFWD3 is on the minus strand). VCF-style: chr16-74661180-AG-GT. GRCh37 (hg19) VCF-style: chr16-74695078-AG-GT.
Other names: c.269_270delinsAC, p.Thr90Asn (NM_001370534.1, NM_001370535.1, NM_001370536.1); c.-740_-739delinsAC (NM_001370537.1); c.-363_-362delinsAC (NM_001370539.1); c.-363_-362delCTinsAC (NM_001370541.1); c.-617_-616delinsAC (NM_001370542.1); c.-495_-494delinsAC (NM_001370543.1); c.-317+3443_-317+3444delinsAC (NM_001370540.1); short protein forms T90N.
Identifiers: ClinVar variation 2868880 (VCV002868880.3), dbSNP rs2544142509, ClinGen allele CA2739266918.

ClinVar aggregate classification (germline): Uncertain significance (1 of 4 stars; one submission).

Submission:

Labcorp Genetics (formerly Invitae), Labcorp
Classification: Uncertain significance. Last evaluated: 2023-11-21. Review status: criteria provided, single submitter. Criteria: Invitae Variant Classification Sherloc (09022015). Collection method: clinical testing. Allele origin: germline.
Comment: This sequence change replaces threonine, which is neutral and polar, with asparagine, which is neutral and polar, at codon 90 of the RFWD3 protein (p.Thr90Asn). The frequency data for this variant in the population databases is considered unreliable, as metrics indicate poor data quality at this position in the gnomAD database. This variant has not been reported in the literature in individuals affected with RFWD3-related conditions. An algorithm developed to predict the effect of missense changes on protein structure and function (PolyPhen-2) suggests that this variant is likely to be tolerated. In summary, the available evidence is currently insufficient to determine the role of this variant in disease. Therefore, it has been classified as a Variant of Uncertain Significance.